The following is an entry in ClinVar:

ClinVar aggregate classification (germline): Uncertain significance (1 of 4 stars; one submission).

Conditions:
Duchenne muscular dystrophy (DMD). Also called: Duchenne Muscular Dystrophy (DMD); MUSCULAR DYSTROPHY, PSEUDOHYPERTROPHIC PROGRESSIVE, DUCHENNE TYPE. Identifiers: Orphanet 98896, MedGen C0013264, MONDO:0010679, OMIM 310200.

Submission:

Labcorp Genetics (formerly Invitae), Labcorp
Classification: Uncertain significance for Duchenne muscular dystrophy. Last evaluated: 2022-07-02. Review status: criteria provided, single submitter. Criteria: Invitae Variant Classification Sherloc (09022015). Collection method: clinical testing. Allele origin: germline.
Comment: This variant is not present in population databases (gnomAD no frequency). This sequence change replaces proline, which is neutral and non-polar, with serine, which is neutral and polar, at codon 3600 of the DMD protein (p.Pro3600Ser). This variant has not been reported in the literature in individuals affected with DMD-related conditions. In summary, the available evidence is currently insufficient to determine the role of this variant in disease. Therefore, it has been classified as a Variant of Uncertain Significance. Algorithms developed to predict the effect of missense changes on protein structure and function (SIFT, PolyPhen-2, Align-GVGD) all suggest that this variant is likely to be disruptive.

NM_004006.3(DMD):c.10798C>T (p.Pro3600Ser)

Gene: DMD (dystrophin; minus strand). Cytogenetic location: Xp21.2.
Variant type: single nucleotide variant.
Coding change: c.10798C>T on transcript NM_004006.3 (MANE Select); coding-DNA position 10798, C replaced by T.
Protein change: p.Pro3600Ser; replaces proline 3600 with serine.
Molecular consequence: missense variant.
Genome position (GRCh38, 1-based): chrX:31,146,414, G>A on the plus strand (C>T on the coding strand, the complement: DMD is on the minus strand). VCF-style: chrX-31146414-G-A. GRCh37 (hg19) VCF-style: chrX-31164531-G-A.
Other names: c.10774C>T, p.Pro3592Ser (NM_000109.4); c.10786C>T, p.Pro3596Ser (NM_004009.3); c.10429C>T, p.Pro3477Ser (NM_004010.3); c.6775C>T, p.Pro2259Ser (NM_004011.4); c.6766C>T, p.Pro2256Ser (NM_004012.4); c.3418C>T, p.Pro1140Ser (NM_004013.3, NM_004021.3); c.2611C>T, p.Pro871Ser (NM_004014.3); c.1594C>T, p.Pro532Ser (NM_004015.3, NM_004016.3); and 3 more; short protein forms P1030S, P1127S, P1140S, P2256S, P2259S, P3477S, P3592S, P3596S.
Identifiers: ClinVar variation 2414060 (VCV002414060.4), dbSNP rs2519419898, ClinGen allele CA412648964.